The following is an entry in ClinVar:

ClinVar aggregate classification (germline): Uncertain significance. Review status: criteria provided, multiple submitters, no conflicts (2 of 4 stars). 2 submissions from 2 submitters: Uncertain significance (2). Last evaluated 2024-08-11.

Conditions:
Cardiovascular phenotype. Identifiers: MedGen CN230736.
Dilated cardiomyopathy 1JJ (CMD1JJ). Identifiers: Orphanet 154, MedGen C3808935, MONDO:0014095, OMIM 615235.

Allele frequency attached by ClinVar (database versions not stated): gnomAD exomes below 0.00001; ExAC 0.00001; gnomAD 0.00001; TOPMed 0.00001; ESP Exome Variant Server 0.00008.
gnomAD v4.1: 2 of 1,612,606 alleles (0.00012%); highest among the groups gnomAD compares: Non-Finnish European, 0.00017%; no homozygotes.

Submissions (2):

Labcorp Genetics (formerly Invitae), Labcorp
Classification: Uncertain significance for Dilated cardiomyopathy 1JJ. Last evaluated: 2024-08-11. Review status: criteria provided, single submitter. Criteria: Invitae Variant Classification Sherloc (09022015). Collection method: clinical testing. Allele origin: germline.
Comment: This sequence change replaces valine, which is neutral and non-polar, with alanine, which is neutral and non-polar, at codon 1113 of the LAMA4 protein (p.Val1113Ala). This variant is present in population databases (rs368746835, gnomAD 0.0009%). This variant has not been reported in the literature in individuals affected with LAMA4-related conditions. ClinVar contains an entry for this variant (Variation ID: 1935108). An algorithm developed to predict the effect of missense changes on protein structure and function (PolyPhen-2) suggests that this variant is likely to be tolerated. In summary, the available evidence is currently insufficient to determine the role of this variant in disease. Therefore, it has been classified as a Variant of Uncertain Significance.

Ambry Genetics
Classification: Uncertain significance for Cardiovascular phenotype. Last evaluated: 2024-04-26. Review status: criteria provided, single submitter. Criteria: Ambry Variant Classification Scheme 2023. Collection method: clinical testing. Allele origin: germline.
Comment: The p.V1113A variant (also known as c.3338T>C), located in coding exon 24 of the LAMA4 gene, results from a T to C substitution at nucleotide position 3338. The valine at codon 1113 is replaced by alanine, an amino acid with similar properties. This amino acid position is conserved. In addition, this alteration is predicted to be tolerated by in silico analysis. Based on the available evidence, the clinical significance of this variant remains unclear.

NM_001105206.3(LAMA4):c.3359T>C (p.Val1120Ala)

Gene: LAMA4 (laminin subunit alpha 4; minus strand). Cytogenetic location: 6q21.
Variant type: single nucleotide variant.
Coding change: c.3359T>C on transcript NM_001105206.3 (MANE Select); coding-DNA position 3359, T replaced by C.
Protein change: p.Val1120Ala; replaces valine 1120 with alanine.
Molecular consequence: missense variant.
Genome position (GRCh38, 1-based): chr6:112,136,178, A>G on the plus strand (T>C on the coding strand, the complement: LAMA4 is on the minus strand). VCF-style: chr6-112136178-A-G. GRCh37 (hg19) VCF-style: chr6-112457380-A-G.
Other names: c.3338T>C, p.Val1113Ala (NM_001105207.3, NM_002290.5); short protein forms V1120A, V1113A.
Identifiers: ClinVar variation 1935108 (VCV001935108.6), dbSNP rs368746835, ClinGen allele CA3965235.